The following is an entry in ClinVar:

ClinVar aggregate classification (germline): Uncertain significance (1 of 4 stars; one submission).

Conditions:
Hypertrophic cardiomyopathy. Also called: HYPERTROPHIC MYOCARDIOPATHY. Identifiers: Orphanet 217569, MedGen C0007194, MeSH D002312, MONDO:0005045, HP:0001639.

Submission:

Labcorp Genetics (formerly Invitae), Labcorp
Classification: Uncertain significance for Hypertrophic cardiomyopathy. Last evaluated: 2023-06-16. Review status: criteria provided, single submitter. Criteria: Invitae Variant Classification Sherloc (09022015). Collection method: clinical testing. Allele origin: germline.
Comment: This variant is not present in population databases (gnomAD no frequency). This variant has not been reported in the literature in individuals affected with TNNI3-related conditions. Algorithms developed to predict the effect of missense changes on protein structure and function output the following: SIFT: "Not Available"; PolyPhen-2: "Benign"; Align-GVGD: "Not Available". The lysine amino acid residue is found in multiple mammalian species, which suggests that this missense change does not adversely affect protein function. In summary, the available evidence is currently insufficient to determine the role of this variant in disease. Therefore, it has been classified as a Variant of Uncertain Significance. This sequence change replaces threonine, which is neutral and polar, with lysine, which is basic and polar, at codon 123 of the TNNI3 protein (p.Thr123Lys).

NM_000363.5(TNNI3):c.368C>A (p.Thr123Lys)

Gene: TNNI3 (troponin I3, cardiac type; minus strand). Cytogenetic location: 19q13.42.
Variant type: single nucleotide variant.
Coding change: c.368C>A on transcript NM_000363.5 (MANE Select); coding-DNA position 368, C replaced by A.
Protein change: p.Thr123Lys; replaces threonine 123 with lysine.
Molecular consequence: missense variant.
Genome position (GRCh38, 1-based): chr19:55,154,745, G>T on the plus strand (C>A on the coding strand, the complement: TNNI3 is on the minus strand). VCF-style: chr19-55154745-G-T. GRCh37 (hg19) VCF-style: chr19-55666113-G-T.
Other names: short protein forms T123K.
Identifiers: ClinVar variation 2717249 (VCV002717249.3), dbSNP rs397516345, ClinGen allele CA407440913.